The following is an entry in ClinVar:

ClinVar aggregate classification (germline): Uncertain significance (1 of 4 stars; one submission).

Conditions:
Familial temporal lobe epilepsy 7. Identifiers: Orphanet 101046, MedGen C4225327, MONDO:0014639, OMIM 616436.
Norman-Roberts syndrome (LIS2). Also called: Lissencephaly 2 (Norman-Roberts type). Identifiers: Orphanet 89844, MedGen C0796089, MONDO:0009760, OMIM 257320.

Submission:

Labcorp Genetics (formerly Invitae), Labcorp
Classification: Uncertain significance for Familial temporal lobe epilepsy 7; Norman-Roberts syndrome. Last evaluated: 2024-05-21. Review status: criteria provided, single submitter. Criteria: Invitae Variant Classification Sherloc (09022015). Collection method: clinical testing. Allele origin: germline.
Comment: This sequence change replaces arginine, which is basic and polar, with glycine, which is neutral and non-polar, at codon 2868 of the RELN protein (p.Arg2868Gly). This variant is not present in population databases (gnomAD no frequency). This variant has not been reported in the literature in individuals affected with RELN-related conditions. Advanced modeling of protein sequence and biophysical properties (such as structural, functional, and spatial information, amino acid conservation, physicochemical variation, residue mobility, and thermodynamic stability) performed at Invitae indicates that this missense variant is not expected to disrupt RELN protein function with a negative predictive value of 80%. In summary, the available evidence is currently insufficient to determine the role of this variant in disease. Therefore, it has been classified as a Variant of Uncertain Significance.

NM_005045.4(RELN):c.8602A>G (p.Arg2868Gly)

Genes: RELN (reelin; minus strand), SLC26A5-AS1 (SLC26A5 antisense RNA 1; plus strand). Cytogenetic location: 7q22.1.
Variant type: single nucleotide variant.
Coding change: c.8602A>G on transcript NM_005045.4 (MANE Select); coding-DNA position 8602, A replaced by G.
Protein change: p.Arg2868Gly; replaces arginine 2868 with glycine.
Molecular consequence: missense variant.
Genome position (GRCh38, 1-based): chr7:103,500,810, T>C on the plus strand (A>G on the coding strand, the complement: RELN is on the minus strand). VCF-style: chr7-103500810-T-C. GRCh37 (hg19) VCF-style: chr7-103141257-T-C.
Other names: c.8602A>G, p.Arg2868Gly (NM_173054.3); short protein forms R2868G.
Identifiers: ClinVar variation 3750204 (VCV003750204.2).
Genomic context (GRCh38, chr7:103,500,810, plus strand): 5'-GAGTGTGGGTCAAGTAGCAGTTTGGCCCTGAGTATCCCGGATCACAGATGCACTGTTCCC[T>C]TAAGCAATCTCCATGGCCCCTGCAGTTGTCCAAGCATCCAGGGCCCAGGTAGAAATTATC-3'
Protein context (NP_005036.2, residues 2858-2878): DNCRGHGDCL[Arg2868Gly]EQCICDPGYS